The following is an entry in ClinVar:

NM_001844.5(COL2A1):c.2177G>A (p.Gly726Asp)

Gene: COL2A1 (collagen type II alpha 1 chain; minus strand). Cytogenetic location: 12q13.11.
Variant type: single nucleotide variant.
Coding change: c.2177G>A on transcript NM_001844.5 (MANE Select); coding-DNA position 2177, G replaced by A.
Protein change: p.Gly726Asp; replaces glycine 726 with aspartic acid.
Molecular consequence: missense variant.
Genome position (GRCh38, 1-based): chr12:47,982,864, C>T on the plus strand (G>A on the coding strand, the complement: COL2A1 is on the minus strand). VCF-style: chr12-47982864-C-T. GRCh37 (hg19) VCF-style: chr12-48376647-C-T.
Other names: c.1970G>A, p.Gly657Asp (NM_033150.3); short protein forms G657D, G726D.
Identifiers: ClinVar variation 2137334 (VCV002137334.4), dbSNP rs2540135722, ClinGen allele CA384546893.

ClinVar aggregate classification (germline): Likely pathogenic (1 of 4 stars; one submission).

Submission:

Labcorp Genetics (formerly Invitae), Labcorp
Classification: Likely pathogenic. Last evaluated: 2022-04-26. Review status: criteria provided, single submitter. Criteria: Invitae Variant Classification Sherloc (09022015). Collection method: clinical testing. Allele origin: germline.
Comment: In summary, the currently available evidence indicates that the variant is pathogenic, but additional data are needed to prove that conclusively. Therefore, this variant has been classified as Likely Pathogenic. This variant disrupts the triple helix domain of COL2A1. Glycine residues within the Gly-Xaa-Yaa repeats of the triple helix domain are required for the structure and stability of fibrillar collagens (PMID: 7695699, 8218237, 19344236). In COL2A1, variants affecting these glycine residues are significantly enriched in individuals with disease (PMID: 9016532, 17078022) compared to the general population (ExAC). Advanced modeling of protein sequence and biophysical properties (such as structural, functional, and spatial information, amino acid conservation, physicochemical variation, residue mobility, and thermodynamic stability) performed at Invitae indicates that this missense variant is expected to disrupt COL2A1 protein function. This missense change has been observed in individual(s) with skeletal dysplasia (PMID: 22791362). This variant is not present in population databases (gnomAD no frequency). This sequence change replaces glycine, which is neutral and non-polar, with aspartic acid, which is acidic and polar, at codon 726 of the COL2A1 protein (p.Gly726Asp).

Literature cited by the submitters: PubMed 7695699; PubMed 8218237; PubMed 19344236; PubMed 9016532; PubMed 17078022; PubMed 22791362.